The following is an entry in ClinVar:

NM_000179.3(MSH6):c.1332C>T (p.Val444=)

Gene: MSH6 (mutS homolog 6; plus strand). Cytogenetic location: 2p16.3.
Variant type: single nucleotide variant.
Coding change: c.1332C>T on transcript NM_000179.3 (MANE Select); coding-DNA position 1332, C replaced by T.
Protein change: p.Val444=; no amino-acid change (valine 444 retained).
Molecular consequence: synonymous variant.
Genome position (GRCh38, 1-based): chr2:47,799,315, C>T. VCF-style: chr2-47799315-C-T. GRCh37 (hg19) VCF-style: chr2-48026454-C-T.
Other names: c.942C>T, p.Val314= (NM_001281492.2); c.426C>T, p.Val142= (NM_001281493.2, NM_001281494.2).
Identifiers: ClinVar variation 1647497 (VCV001647497.12), dbSNP rs1669320898, ClinGen allele CA426121027.

ClinVar aggregate classification (germline): Benign/Likely benign. Review status: criteria provided, multiple submitters, no conflicts (2 of 4 stars). 4 submissions from 4 submitters: Benign (1); Likely benign (3). Last evaluated 2024-12-26.

Conditions:
Hereditary nonpolyposis colorectal neoplasms. Identifiers: MedGen C0009405, MeSH D003123.
Hereditary cancer-predisposing syndrome. Also called: Tumor predisposition; Neoplastic Syndromes, Hereditary; Hereditary Cancer Syndrome; Hereditary neoplastic syndrome. Identifiers: Orphanet 140162, MedGen C0027672, MeSH D009386, MONDO:0015356.
Lynch syndrome 5 (LYNCH5). Also called: Colorectal cancer, hereditary nonpolyposis, type 5; Hereditary non-polyposis colorectal cancer, type 5. Identifiers: Orphanet 144, MedGen C1833477, MONDO:0013710, OMIM 614350. Disease mechanism: loss of function.

Submissions (4):

Myriad Genetics, Inc.
Classification: Benign for Lynch syndrome 5. Last evaluated: 2024-12-26. Review status: criteria provided, single submitter. Criteria: Myriad Autosomal Dominant, Autosomal Recessive and X-Linked Classification Criteria (2023). Collection method: clinical testing. Allele origin: unknown.
Comment: This variant is considered benign. This variant is a silent/synonymous amino acid change and it is not expected to impact splicing.

Color Diagnostics, LLC DBA Color Health
Classification: Likely benign for Hereditary cancer-predisposing syndrome. Last evaluated: 2024-09-17. Review status: criteria provided, single submitter. Criteria: ACMG Guidelines, 2015. Collection method: clinical testing. Allele origin: germline.

Labcorp Genetics (formerly Invitae), Labcorp
Classification: Likely benign for Hereditary nonpolyposis colorectal neoplasms. Last evaluated: 2024-03-25. Review status: criteria provided, single submitter. Criteria: Invitae Variant Classification Sherloc (09022015). Collection method: clinical testing. Allele origin: germline.

Ambry Genetics
Classification: Likely benign for Hereditary cancer-predisposing syndrome. Last evaluated: 2021-04-26. Review status: criteria provided, single submitter. Criteria: Ambry Variant Classification Scheme 2023. Collection method: clinical testing. Allele origin: germline.